The following is an entry in ClinVar:

ClinVar aggregate classification (germline): Uncertain significance (1 of 4 stars; one submission).

Submission:

GeneDx
Classification: Uncertain significance. Last evaluated: 2020-07-31. Review status: criteria provided, single submitter. Criteria: GeneDx Variant Classification Process June 2021. Collection method: clinical testing. Allele origin: germline. Affected: yes.
Comment: In-frame deletion and insertion of four amino acids in a non-repeat region; Not observed in large population cohorts (Lek et al., 2016); In silico analysis supports a deleterious effect on protein structure/function; Has not been previously published as pathogenic or benign to our knowledge

NM_000260.4(MYO7A):c.2558_2566delinsACAGGCTGA (p.Arg853_His856delinsHisArgLeuAsn)

Gene: MYO7A (myosin VIIA; plus strand). Cytogenetic location: 11q13.5.
Variant type: Indel.
Coding change: c.2558_2566delinsACAGGCTGA on transcript NM_000260.4 (MANE Select); coding-DNA positions 2558 to 2566, GCAGGCTGC replaced by ACAGGCTGA.
Protein change: p.Arg853_His856delinsHisArgLeuAsn.
Molecular consequence: missense variant.
Genome position (GRCh38, 1-based): chr11:77,179,925-77,179,933, GCAGGCTGC replaced by ACAGGCTGA. VCF-style: chr11-77179925-GCAGGCTGC-ACAGGCTGA. GRCh37 (hg19) VCF-style: chr11-76890971-GCAGGCTGC-ACAGGCTGA.
Other names: c.2558_2566delinsACAGGCTGA, p.Arg853_His856delinsHisArgLeuAsn (NM_001127180.2); c.2525_2533delinsACAGGCTGA, p.Arg842_His845delinsHisArgLeuAsn (NM_001369365.1).
Identifiers: ClinVar variation 1313142 (VCV001313142.2), dbSNP rs2135473661, ClinGen allele CA2573053566.